The following is an entry in ClinVar:

NM_015443.4(KANSL1):c.3184C>T (p.Arg1062Cys)

Gene: KANSL1 (KAT8 regulatory NSL complex subunit 1). Cytogenetic location: 17q21.31.
Variant type: single nucleotide variant.
Coding change: c.3184C>T on transcript NM_015443.4 (MANE Select); coding-DNA position 3184, C replaced by T.
Protein change: p.Arg1062Cys; replaces arginine 1062 with cysteine.
Molecular consequence: missense variant.
Genome position (GRCh38, 1-based): chr17:46,031,610, G>A on the plus strand (C>T on the coding strand, the complement: KANSL1 is on the minus strand). VCF-style: chr17-46031610-G-A. GRCh37 (hg19) VCF-style: chr17-44108976-G-A.
Other names: c.3181C>T, p.Arg1061Cys (NM_001193465.2); c.3184C>T, p.Arg1062Cys (NM_001193466.2, NM_001379198.1); short protein forms R1061C, R1062C.
Identifiers: ClinVar variation 856640 (VCV000856640.9), dbSNP rs2077009434, ClinGen allele CA399985992.

ClinVar aggregate classification (germline): Uncertain significance (1 of 4 stars; one submission).

Conditions:
Koolen-de Vries syndrome (KDVS). Identifiers: Orphanet 96169, MedGen C1864871, MONDO:0012496, OMIM 610443.

Allele frequency attached by ClinVar (database versions not stated): gnomAD exomes below 0.00001.
gnomAD v4.1: 4 of 1,614,092 alleles (0.00025%); highest among the groups gnomAD compares: South Asian, 0.0022%; no homozygotes.

Submission:

Labcorp Genetics (formerly Invitae), Labcorp
Classification: Uncertain significance for Koolen-de Vries syndrome. Last evaluated: 2025-07-15. Review status: criteria provided, single submitter. Criteria: Invitae Variant Classification Sherloc (09022015). Collection method: clinical testing. Allele origin: germline.
Comment: This sequence change replaces arginine, which is basic and polar, with cysteine, which is neutral and slightly polar, at codon 1062 of the KANSL1 protein (p.Arg1062Cys). This variant is not present in population databases (gnomAD no frequency). This variant has not been reported in the literature in individuals affected with KANSL1-related conditions. ClinVar contains an entry for this variant (Variation ID: 856640). An algorithm developed to predict the effect of missense changes on protein structure and function (PolyPhen-2) suggests that this variant is likely to be disruptive. In summary, the available evidence is currently insufficient to determine the role of this variant in disease. Therefore, it has been classified as a Variant of Uncertain Significance.